The following is an entry in ClinVar:

ClinVar aggregate classification (germline): Likely benign (0 of 4 stars; one submission).

Conditions:
POLRMT-related disorder. Also called: POLRMT-related condition.

Allele frequency attached by ClinVar (database versions not stated): ESP Exome Variant Server 0.00116; TOPMed 0.00139.

Submission:

PreventionGenetics, part of Exact Sciences
Classification: Likely benign for POLRMT-related condition. Last evaluated: 2022-10-31. Review status: no assertion criteria provided. Collection method: clinical testing. Allele origin: germline.
Comment: This variant is classified as likely benign based on ACMG/AMP sequence variant interpretation guidelines (Richards et al. 2015 PMID: 25741868, with internal and published modifications).

NM_005035.4(POLRMT):c.1992G>C (p.Leu664=)

Gene: POLRMT (RNA polymerase mitochondrial; minus strand). Cytogenetic location: 19p13.3.
Variant type: single nucleotide variant.
Coding change: c.1992G>C on transcript NM_005035.4 (MANE Select); coding-DNA position 1992, G replaced by C.
Protein change: p.Leu664=; no amino-acid change (leucine 664 retained).
Molecular consequence: synonymous variant. On other transcripts: non-coding transcript variant (1).
Genome position (GRCh38, 1-based): chr19:621,706, C>G on the plus strand (G>C on the coding strand, the complement: POLRMT is on the minus strand). VCF-style: chr19-621706-C-G. GRCh37 (hg19) VCF-style: chr19-621706-C-G.
Other names: c.1992G>C, p.Leu664= (NM_001407805.1, NM_001407808.1, NM_001407812.1 and 4 more transcripts); c.1983G>C, p.Leu661= (NM_001407806.1, NM_001407809.1); c.1980G>C, p.Leu660= (NM_001407807.1, NM_001407810.1); c.1950G>C, p.Leu650= (NM_001407811.1, NM_001407813.1); c.1767G>C, p.Leu589= (NM_001407830.1, NM_001407832.1); c.1668G>C, p.Leu556= (NM_001407831.1, NM_001407833.1, NM_001407835.1 and 1 more transcripts); c.1659G>C, p.Leu553= (NM_001407834.1).
Identifiers: ClinVar variation 3043279 (VCV003043279.2), dbSNP rs142731690, ClinGen allele CA9020058.